The following is an entry in ClinVar:

NM_080425.4(GNAS):c.115C>T (p.Pro39Ser)

Gene: GNAS (GNAS complex locus; plus strand). Cytogenetic location: 20q13.32.
Variant type: single nucleotide variant.
Coding change: c.115C>T on transcript NM_080425.4 (MANE Plus Clinical); coding-DNA position 115, C replaced by T.
Protein change: p.Pro39Ser; replaces proline 39 with serine.
Molecular consequence: missense variant. On other transcripts: 5 prime UTR variant (2), intron variant (3).
Genome position (GRCh38, 1-based): chr20:58,853,380, C>T. VCF-style: chr20-58853380-C-T. GRCh37 (hg19) VCF-style: chr20-57428435-C-T.
Other names: c.-73C>T (NM_001077490.3, NM_001309883.1); c.115C>T, p.Pro39Ser (NM_001410913.1); c.*42+12494C>T (NM_016592.5); c.43+12494C>T (NM_001410912.1); c.-39+11505C>T (NM_001309861.2); short protein forms P39S.
Identifiers: ClinVar variation 3350917 (VCV003350917.2).

ClinVar aggregate classification (germline): Uncertain significance. Review status: criteria provided, single submitter (1 of 4 stars). 2 submissions from 2 submitters: Uncertain significance (1). 1 of the submissions does not count toward it. Last evaluated 2024-10-25.

Conditions:
GNAS-related disorder. Identifiers: MedGen CN380105.

gnomAD v4.1: 46 of 1,558,470 alleles (0.003%); highest among the groups gnomAD compares: Non-Finnish European, 0.0036%; no homozygotes.

Submissions (2):

Blueprint Genetics
Classification: Uncertain significance. Last evaluated: 2024-10-25. Review status: criteria provided, single submitter. Criteria: ACMG Guidelines, 2015. Collection method: clinical testing. Allele origin: germline.

PreventionGenetics, part of Exact Sciences
Classification: Uncertain significance for GNAS-related condition. Last evaluated: 2024-03-23. Review status: no assertion criteria provided. Collection method: clinical testing. Allele origin: germline. Not counted in ClinVar's aggregate classification.
Comment: The GNAS c.115C>T variant is predicted to result in the amino acid substitution p.Pro39Ser. This variant occurs in the pre-coding region of the primary GNAS transcript (NM_000516:c.-38347C>T). To our knowledge, this variant has not been reported in the literature. This variant is reported in 0.0048% of alleles in individuals of European (Finnish) descent in gnomAD. At this time, the clinical significance of this variant is uncertain due to the absence of conclusive functional and genetic evidence.